The following is an entry in ClinVar:

NM_000535.7(PMS2):c.2522G>A (p.Trp841Ter)

Gene: PMS2 (PMS1 homolog 2, mismatch repair system component; minus strand). Cytogenetic location: 7p22.1.
Variant type: single nucleotide variant.
Coding change: c.2522G>A on transcript NM_000535.7 (MANE Select); coding-DNA position 2522, G replaced by A.
Protein change: p.Trp841Ter; replaces tryptophan 841 with a stop codon.
Molecular consequence: nonsense. On other transcripts: non-coding transcript variant (1).
Genome position (GRCh38, 1-based): chr7:5,973,466, C>T on the plus strand (G>A on the coding strand, the complement: PMS2 is on the minus strand). VCF-style: chr7-5973466-C-T. GRCh37 (hg19) VCF-style: chr7-6013097-C-T.
Other names: c.2117G>A, p.Trp706Ter (NM_001322003.2, NM_001322004.2, NM_001322005.2); c.2366G>A, p.Trp789Ter (NM_001322006.2); c.2204G>A, p.Trp735Ter (NM_001322007.2, NM_001322008.2); c.2150G>A, p.Trp717Ter (NM_001322009.2); c.1961G>A, p.Trp654Ter (NM_001322010.2); c.1589G>A, p.Trp530Ter (NM_001322011.2, NM_001322012.2); c.1949G>A, p.Trp650Ter (NM_001322013.2); c.2555G>A, p.Trp852Ter (NM_001322014.2); and 1 more; short protein forms W841*, W735*, W650*, W717*, W789*, W530*, W654*, W706*.
Identifiers: ClinVar variation 234759 (VCV000234759.15), dbSNP rs876661203, ClinGen allele CA10577334.

ClinVar aggregate classification (germline): Pathogenic/Likely pathogenic. Review status: criteria provided, multiple submitters, no conflicts (2 of 4 stars). 4 submissions from 4 submitters: Pathogenic (3); Likely pathogenic (1). Last evaluated 2024-06-21.

Conditions:
Hereditary nonpolyposis colorectal neoplasms. Identifiers: MedGen C0009405, MeSH D003123.
Hereditary cancer-predisposing syndrome. Also called: Hereditary neoplastic syndrome; Hereditary Cancer Syndrome; Neoplastic Syndromes, Hereditary; Tumor predisposition. Identifiers: Orphanet 140162, MedGen C0027672, MeSH D009386, MONDO:0015356.
Lynch syndrome 4 (LYNCH4). Also called: Colorectal cancer, hereditary nonpolyposis, type 4; Hereditary non-polyposis colorectal cancer, type 4. Identifiers: Orphanet 144, MedGen C1838333, MONDO:0013699, OMIM 614337. Disease mechanism: loss of function.

Submissions (4):

Ambry Genetics
Classification: Pathogenic for Hereditary cancer-predisposing syndrome. Last evaluated: 2024-06-21. Review status: criteria provided, single submitter. Criteria: Ambry Variant Classification Scheme 2023. Collection method: clinical testing. Allele origin: germline.
Comment: The p.W841* pathogenic mutation (also known as c.2522G>A), located in coding exon 15 of the PMS2 gene, results from a G to A substitution at nucleotide position 2522. This changes the amino acid from a tryptophan to a stop codon within coding exon 15. This alteration occurs at the 3' terminus of thePMS2 gene, is not expected to trigger nonsense-mediated mRNA decay, and only impacts the last 22 amino acids of the protein. However, premature stop codons are typically deleterious in nature and the impacted region is critical for protein function (Ambry internal data). This alteration has been reported in an individual undergoing multigene panel testing for hereditary cancer (Roberts M et al. Genet. Med. 2018 10;20(10):1167-1174). A downstream truncating pathogenic mutation, p.W841Gfs*10, has also been identified in several individuals whose colorectal tumors demonstrated isolated loss of PMS2 expression on immunohistochemistry (IHC) (Ambry internal data). Based on the supporting evidence, this variant is interpreted as a disease-causing mutation.

Myriad Genetics, Inc.
Classification: Pathogenic for Lynch syndrome 4. Last evaluated: 2023-12-27. Review status: criteria provided, single submitter. Criteria: Myriad Autosomal Dominant, Autosomal Recessive and X-Linked Classification Criteria (2023). Collection method: clinical testing. Allele origin: unknown.
Comment: This variant is considered pathogenic. This variant creates a termination codon and is predicted to result in premature protein truncation.

Labcorp Genetics (formerly Invitae), Labcorp
Classification: Pathogenic for Hereditary nonpolyposis colorectal neoplasms. Last evaluated: 2019-07-01. Review status: criteria provided, single submitter. Criteria: Invitae Variant Classification Sherloc (09022015). Collection method: clinical testing. Allele origin: germline.
Comment: For these reasons, this variant has been classified as Pathogenic. This variant disrupts the C-terminal portion of the MLH1 interaction domain (amino acids 675-850) of the PMS2 protein, which has been shown to be critical for PMS2-MLH1 dimerization (PMID: 10037723), and therefore mismatch repair activity (PMID: 16338176, 20533529). Other variant(s) that disrupt this region (p.Trp841Glyfs*10) have been determined to be pathogenic (PMID: 26116798, 30764633). This suggests that variants that disrupt this region of the protein are likely to be causative of disease. This variant has not been reported in the literature in individuals with PMS2-related conditions. ClinVar contains an entry for this variant (Variation ID: 234759). The frequency data for this variant in the population databases (ExAC) is considered unreliable due to the presence of homologous sequence, such as pseudogenes or paralogs, in the genome. This sequence change results in a premature translational stop signal in the PMS2 gene (p.Trp841*). While this is not anticipated to result in nonsense mediated decay, it is expected to disrupt the last 22 amino acids of the PMS2 protein.

GeneDx
Classification: Likely pathogenic. Last evaluated: 2016-01-08. Review status: criteria provided, single submitter. Criteria: GeneDx Variant Classification (06012015). Collection method: clinical testing. Allele origin: germline. Affected: yes.
Comment: This variant is denoted PMS2 c.2522G>A at the cDNA level and p.Trp841Ter (W841X) at the protein level. The substitution creates a nonsense variant, which changes a Tryptophan to a premature stop codon (TGG>TAG) , and is predicted to cause loss of normal protein function through protein truncation. Even though this frameshift occurs near the end of the gene in the last exon, and nonsense-mediated decay is not expected to occur, it is significant since the last 22 amino acids are no longer translated. Furthermore, the truncation would disrupt the nuclease domain (Fukui 2011). In addition, functional studies have shown that downstream residues are involved with zinc binding and variants at these downstream residues result in significant reduction of MMR activity (Kosinski 2008). Therefore, we consider this variant to be likely pathogenic.

Literature cited by the submitters: PubMed 10037723 (cited by Labcorp Genetics (formerly Invitae), Labcorp); PubMed 16338176 (cited by Labcorp Genetics (formerly Invitae), Labcorp); PubMed 20533529 (cited by Labcorp Genetics (formerly Invitae), Labcorp); PubMed 26116798 (cited by Labcorp Genetics (formerly Invitae), Labcorp); PubMed 30764633 (cited by Labcorp Genetics (formerly Invitae), Labcorp).